The following is an entry in ClinVar:

NM_207361.6(FREM2):c.2057T>C (p.Leu686Pro)

Gene: FREM2 (FRAS1 related extracellular matrix 2; plus strand). Cytogenetic location: 13q13.3.
Variant type: single nucleotide variant.
Coding change: c.2057T>C on transcript NM_207361.6 (MANE Select); coding-DNA position 2057, T replaced by C.
Protein change: p.Leu686Pro; replaces leucine 686 with proline.
Molecular consequence: missense variant.
Genome position (GRCh38, 1-based): chr13:38,689,401, T>C. VCF-style: chr13-38689401-T-C. GRCh37 (hg19) VCF-style: chr13-39263538-T-C.
Other names: short protein forms L686P.
Identifiers: ClinVar variation 3608075 (VCV003608075.2).

ClinVar aggregate classification (germline): Uncertain significance (1 of 4 stars; one submission).

gnomAD v4.1: 97 of 1,613,932 alleles (0.006%); highest among the groups gnomAD compares: South Asian, 0.097%; no homozygotes.

Submission:

Labcorp Genetics (formerly Invitae), Labcorp
Classification: Uncertain significance. Last evaluated: 2024-12-26. Review status: criteria provided, single submitter. Criteria: Invitae Variant Classification Sherloc (09022015). Collection method: clinical testing. Allele origin: germline.
Comment: This sequence change replaces leucine, which is neutral and non-polar, with proline, which is neutral and non-polar, at codon 686 of the FREM2 protein (p.Leu686Pro). This variant is present in population databases (rs747340073, gnomAD 0.1%). This variant has not been reported in the literature in individuals affected with FREM2-related conditions. Invitae Evidence Modeling of protein sequence and biophysical properties (such as structural, functional, and spatial information, amino acid conservation, physicochemical variation, residue mobility, and thermodynamic stability) indicates that this missense variant is not expected to disrupt FREM2 protein function with a negative predictive value of 80%. In summary, the available evidence is currently insufficient to determine the role of this variant in disease. Therefore, it has been classified as a Variant of Uncertain Significance.